The following is an entry in ClinVar:

NM_005902.4(SMAD3):c.895A>G (p.Ile299Val)

Gene: SMAD3 (SMAD family member 3; plus strand). Cytogenetic location: 15q22.33.
Variant type: single nucleotide variant.
Coding change: c.895A>G on transcript NM_005902.4 (MANE Select); coding-DNA position 895, A replaced by G.
Protein change: p.Ile299Val; replaces isoleucine 299 with valine.
Molecular consequence: missense variant. On other transcripts: intron variant (1).
Genome position (GRCh38, 1-based): chr15:67,184,750, A>G. VCF-style: chr15-67184750-A-G. GRCh37 (hg19) VCF-style: chr15-67477088-A-G.
Other names: c.580A>G, p.Ile194Val (NM_001145102.2, NM_001407016.1); c.763A>G, p.Ile255Val (NM_001145103.2, NM_001407012.1); c.310A>G, p.Ile104Val (NM_001145104.2, NM_001407017.1); c.895A>G, p.Ile299Val (NM_001407011.1); c.748A>G, p.Ile250Val (NM_001407014.1); c.448A>G, p.Ile150Val (NM_001407015.1); c.872-2615A>G (NM_001407013.1); short protein forms I104V, I150V, I194V, I250V, I255V, I299V.
Identifiers: ClinVar variation 3386016 (VCV003386016.6).

ClinVar aggregate classification (germline): Uncertain significance. Review status: criteria provided, multiple submitters, no conflicts (2 of 4 stars). 4 submissions from 4 submitters: Uncertain significance (4). Last evaluated 2025-01-28.

Conditions:
Familial thoracic aortic aneurysm and aortic dissection (TAAD). Also called: Thoracic aortic aneurysms and dissections. Identifiers: Orphanet 91387, MedGen C4707243, MONDO:0019625.
Aneurysm-osteoarthritis syndrome. Also called: SMAD3-Related Loeys-Dietz Syndrome; Loeys-Dietz syndrome, type 1C; LOEYS-DIETZ SYNDROME WITH OSTEOARTHRITIS; ANEURYSMS-OSTEOARTHRITIS SYNDROME. Identifiers: Orphanet 284984, MedGen C3151087, MONDO:0013426, OMIM 613795.

gnomAD v4.1: 4 of 1,614,074 alleles (0.00025%); highest among the groups gnomAD compares: Non-Finnish European, 0.00034%; no homozygotes.

Submissions (4):

Dasa
Classification: Uncertain significance. Last evaluated: 2025-01-28. Review status: criteria provided, single submitter. Criteria: DASA Assertion Criteria. Collection method: clinical testing. Allele origin: germline.
Comment: NM_005902.4(SMAD3):c.895A>G (p.Ile299Val) is a missense variant that results in the substitution of isoleucine with valine. This variant is rare in population databases. The currently available literature and clinical evidence are not sufficient to establish a definitive association between this variant and the reported condition. Therefore, this variant is classified as a variant of uncertain significance.

Labcorp Genetics (formerly Invitae), Labcorp
Classification: Uncertain significance for Familial thoracic aortic aneurysm and aortic dissection. Last evaluated: 2024-07-16. Review status: criteria provided, single submitter. Criteria: Invitae Variant Classification Sherloc (09022015). Collection method: clinical testing. Allele origin: germline.
Comment: This sequence change replaces isoleucine, which is neutral and non-polar, with valine, which is neutral and non-polar, at codon 299 of the SMAD3 protein (p.Ile299Val). This variant is not present in population databases (gnomAD no frequency). This variant has not been reported in the literature in individuals affected with SMAD3-related conditions. Advanced modeling of protein sequence and biophysical properties (such as structural, functional, and spatial information, amino acid conservation, physicochemical variation, residue mobility, and thermodynamic stability) performed at Invitae indicates that this missense variant is not expected to disrupt SMAD3 protein function with a negative predictive value of 80%. In summary, the available evidence is currently insufficient to determine the role of this variant in disease. Therefore, it has been classified as a Variant of Uncertain Significance.

All of Us Research Program, National Institutes of Health
Classification: Uncertain significance for Aneurysm-osteoarthritis syndrome. Last evaluated: 2024-05-30. Review status: criteria provided, single submitter. Criteria: ACMG Guidelines, 2015. Collection method: clinical testing. Allele origin: germline. Inheritance: Autosomal dominant inheritance. Observed: 1 variant allele, 1 heterozygote.
Comment: This missense variant replaces isoleucine with valine at codon 299 of the SMAD3 protein. Computational prediction is inconclusive regarding the impact of this variant on protein structure and function (internally defined REVEL score threshold 0.5 < inconclusive < 0.7, PMID: 27666373). To our knowledge, functional studies have not been reported for this variant. This variant has not been reported in individuals affected with SMAD3-related disorders in the literature. This variant has not been identified in the general population by the Genome Aggregation Database (gnomAD). The available evidence is insufficient to determine the role of this variant in disease conclusively. Therefore, this variant is classified as a Variant of Uncertain Significance.

This study involves interpretation of variants in research participants for the purpose of population health screening. Participant phenotype was not available at the time of variant classification. Additional details can be found in publication PMID: 35346344, PMCID: PMC8962531

Color Diagnostics, LLC DBA Color Health
Classification: Uncertain significance for Familial thoracic aortic aneurysm and aortic dissection. Last evaluated: 2024-05-07. Review status: criteria provided, single submitter. Criteria: ACMG Guidelines, 2015. Collection method: clinical testing. Allele origin: germline.
Comment: This missense variant replaces isoleucine with valine at codon 299 of the SMAD3 protein. Computational prediction is inconclusive regarding the impact of this variant on protein structure and function. To our knowledge, functional studies have not been reported for this variant. This variant has not been reported in individuals affected with SMAD3-related disorders in the literature. This variant has not been identified in the general population by the Genome Aggregation Database (gnomAD). The available evidence is insufficient to determine the role of this variant in disease conclusively. Therefore, this variant is classified as a Variant of Uncertain Significance.